The following is an entry in ClinVar:

NM_000091.5(COL4A3):c.3040C>G (p.Pro1014Ala)

Genes: COL4A3 (collagen type IV alpha 3 chain; plus strand), MFF-DT (MFF divergent transcript; minus strand). Cytogenetic location: 2q36.3.
Variant type: single nucleotide variant.
Coding change: c.3040C>G on transcript NM_000091.5 (MANE Select); coding-DNA position 3040, C replaced by G.
Protein change: p.Pro1014Ala; replaces proline 1014 with alanine.
Molecular consequence: missense variant.
Genome position (GRCh38, 1-based): chr2:227,290,058, C>G. VCF-style: chr2-227290058-C-G. GRCh37 (hg19) VCF-style: chr2-228154774-C-G.
Other names: short protein forms P1014A.
Identifiers: ClinVar variation 2430974 (VCV002430974.3), dbSNP rs773321281, ClinGen allele CA2147085.
Genomic context (GRCh38, chr2:227,290,058, plus strand): 5'-GGCCCCAGAGGAGATTTGGGCAGCACTGGGAATCCTGGAGAACCAGGACTGCGTGGTATA[C>G]CAGGAAGCATGGGGAACATGGGCATGCCAGGTAATGCATAAGGTCCTGTTATGAGCCCAC-3'
Protein context (NP_000082.2, residues 1004-1024): NPGEPGLRGI[Pro1014Ala]GSMGNMGMPG

ClinVar aggregate classification (germline): Uncertain significance. Review status: criteria provided, multiple submitters, no conflicts (2 of 4 stars). 2 submissions from 2 submitters: Uncertain significance (2). Last evaluated 2025-09-11.

Conditions:
Inborn genetic diseases. Identifiers: MedGen C0950123, MeSH D030342.

Allele frequency attached by ClinVar (database versions not stated): gnomAD 0.00001; ExAC 0.00002.
gnomAD v4.1: 7 of 1,614,020 alleles (0.00043%); highest among the groups gnomAD compares: Admixed American, 0.0067%; no homozygotes.

Submissions (2):

GeneDx
Classification: Uncertain significance. Last evaluated: 2025-09-11. Review status: criteria provided, single submitter. Criteria: GeneDx Variant Classification Process June 2021. Collection method: clinical testing. Allele origin: germline.
Comment: In silico analysis supports that this missense variant has a deleterious effect on protein structure/function; Occurs in the triple helical domain at the Y position in the canonical Gly-X-Y repeat; although this variant may have an effect on normal protein folding and function, missense substitution at the Y position is not a common mechanism of disease; Has not been previously published as pathogenic or benign to our knowledge

Ambry Genetics
Classification: Uncertain significance for Inborn genetic diseases. Last evaluated: 2025-01-22. Review status: criteria provided, single submitter. Criteria: Ambry Variant Classification Scheme 2023. Collection method: clinical testing. Allele origin: germline.